The following is an entry in ClinVar:

ClinVar aggregate classification (germline): Uncertain significance (1 of 4 stars; one submission).

Allele frequency attached by ClinVar (database versions not stated): gnomAD 0.00004 and 0.00005; gnomAD exomes 0.00004 and 0.00003; ESP Exome Variant Server 0.00008; ExAC 0.00003.
gnomAD v4.1: 50 of 1,606,710 alleles (0.0031%); highest among the groups gnomAD compares: Non-Finnish European, 0.0037%; no homozygotes.

Submission:

Labcorp Genetics (formerly Invitae), Labcorp
Classification: Uncertain significance. Last evaluated: 2026-01-05. Review status: criteria provided, single submitter. Criteria: Invitae Variant Classification Sherloc (09022015). Collection method: clinical testing. Allele origin: germline.
Comment: This sequence change replaces serine, which is neutral and polar, with phenylalanine, which is neutral and non-polar, at codon 137 of the WDR1 protein (p.Ser137Phe). This variant is present in population databases (rs374963422, gnomAD 0.006%). This variant has not been reported in the literature in individuals affected with WDR1-related conditions. ClinVar contains an entry for this variant (Variation ID: 1479728). An algorithm developed to predict the effect of missense changes on protein structure and function (PolyPhen-2) suggests that this variant is likely to be disruptive. In summary, the available evidence is currently insufficient to determine the role of this variant in disease. Therefore, it has been classified as a Variant of Uncertain Significance.

NM_017491.5(WDR1):c.410C>T (p.Ser137Phe)

Gene: WDR1 (WD repeat domain 1; minus strand). Cytogenetic location: 4p16.1.
Variant type: single nucleotide variant.
Coding change: c.410C>T on transcript NM_017491.5 (MANE Select); coding-DNA position 410, C replaced by T.
Protein change: p.Ser137Phe; replaces serine 137 with phenylalanine.
Molecular consequence: missense variant. On other transcripts: intron variant (1).
Genome position (GRCh38, 1-based): chr4:10,097,859, G>A on the plus strand (C>T on the coding strand, the complement: WDR1 is on the minus strand). VCF-style: chr4-10097859-G-A. GRCh37 (hg19) VCF-style: chr4-10099483-G-A.
Other names: c.139-9118C>T (NM_005112.5); short protein forms S137F.
Identifiers: ClinVar variation 1479728 (VCV001479728.6), dbSNP rs374963422, ClinGen allele CA2858061.